The following is an entry in ClinVar:

ClinVar aggregate classification (germline): Pathogenic (1 of 4 stars; one submission).

Submission:

Labcorp Genetics (formerly Invitae), Labcorp
Classification: Pathogenic. Last evaluated: 2024-03-17. Review status: criteria provided, single submitter. Criteria: Invitae Variant Classification Sherloc (09022015). Collection method: clinical testing. Allele origin: germline.
Comment: This sequence change creates a premature translational stop signal (p.Gln2396*) in the ZNF469 gene. While this is not anticipated to result in nonsense mediated decay, it is expected to disrupt the last 1530 amino acid(s) of the ZNF469 protein. This variant is not present in population databases (gnomAD no frequency). This variant has not been reported in the literature in individuals affected with ZNF469-related conditions. This variant disrupts a region of the ZNF469 protein in which other variant(s) (p.Glu2944Glyfs*50) have been determined to be pathogenic (PMID: 23010198). This suggests that this is a clinically significant region of the protein, and that variants that disrupt it are likely to be disease-causing. For these reasons, this variant has been classified as Pathogenic.

Literature cited by the submitters: PubMed 23010198.

NM_001367624.2(ZNF469):c.7270C>T (p.Gln2424Ter)

Gene: ZNF469 (zinc finger protein 469; plus strand). Cytogenetic location: 16q24.2.
Variant type: single nucleotide variant.
Coding change: c.7270C>T on transcript NM_001367624.2 (MANE Select); coding-DNA position 7270, C replaced by T.
Protein change: p.Gln2424Ter; replaces glutamine 2424 with a stop codon.
Molecular consequence: nonsense.
Genome position (GRCh38, 1-based): chr16:88,434,740, C>T. VCF-style: chr16-88434740-C-T. GRCh37 (hg19) VCF-style: chr16-88501148-C-T.
Other names: short protein forms Q2424*.
Identifiers: ClinVar variation 3646485 (VCV003646485.2).
Genomic context (GRCh38, chr16:88,434,740, plus strand): 5'-GGCTTGGGAAGAACCACAGCCCCAAGCAGCACAGCCAGTGACTTCCAGTCTGACTCCCCC[C>T]AAAGCCACAGAAATGCCTCCCACCAGACTCCCCAGGGGGACCCCCTCGGCCCCCAAGACC-3'